The following is an entry in ClinVar:

NM_001903.5(CTNNA1):c.*3C>T

Gene: CTNNA1 (catenin alpha 1; plus strand). Cytogenetic location: 5q31.2.
Variant type: single nucleotide variant.
Coding change: c.*3C>T on transcript NM_001903.5 (MANE Select); 3 bases downstream of the stop codon, C replaced by T.
Molecular consequence: 3 prime UTR variant.
Genome position (GRCh38, 1-based): chr5:138,934,092, C>T. VCF-style: chr5-138934092-C-T. GRCh37 (hg19) VCF-style: chr5-138269781-C-T.
Other names: c.*269C>T (NM_001290307.3, NM_001324002.1, NM_001324003.1 and 2 more transcripts); c.*3C>T (NM_001290309.3, NM_001290310.3, NM_001290312.1 and 28 more transcripts).
Identifiers: ClinVar variation 3773341 (VCV003773341.1).

ClinVar aggregate classification (germline): Benign (1 of 4 stars; one submission).

Conditions:
Hereditary diffuse gastric adenocarcinoma (HDGC). Also called: DIFFUSE GASTRIC AND LOBULAR BREAST CANCER SYNDROME. Identifiers: Orphanet 26106, MedGen C1708349, MONDO:0007648, OMIM 137215.

Submission:

Myriad Genetics, Inc.
Classification: Benign for Hereditary diffuse gastric adenocarcinoma. Last evaluated: 2024-10-16. Review status: criteria provided, single submitter. Criteria: Myriad Autosomal Dominant, Autosomal Recessive and X-Linked Classification Criteria (2023). Collection method: clinical testing. Allele origin: unknown.
Comment: This variant is considered benign. This variant occurs in the non-coding 3' untranslated region of the gene, and is not expected to impact protein function.